The following is an entry in ClinVar:

NM_004360.5(CDH1):c.420C>T (p.Leu140=)

Gene: CDH1 (cadherin 1; plus strand). Cytogenetic location: 16q22.1.
Variant type: single nucleotide variant.
Coding change: c.420C>T on transcript NM_004360.5 (MANE Select); coding-DNA position 420, C replaced by T.
Protein change: p.Leu140=; no amino-acid change (leucine 140 retained).
Molecular consequence: synonymous variant. On other transcripts: 5 prime UTR variant (2).
Genome position (GRCh38, 1-based): chr16:68,808,456, C>T. VCF-style: chr16-68808456-C-T. GRCh37 (hg19) VCF-style: chr16-68842359-C-T.
Other names: c.420C>T, p.Leu140= (NM_001317184.2); c.-1196C>T (NM_001317185.2); c.-1400C>T (NM_001317186.2).
Identifiers: ClinVar variation 2775029 (VCV002775029.4), dbSNP rs763562818, ClinGen allele CA496392170.

ClinVar aggregate classification (germline): Benign/Likely benign. Review status: criteria provided, multiple submitters, no conflicts (2 of 4 stars). 3 submissions from 3 submitters: Benign (1); Likely benign (2). Last evaluated 2026-02-19.

Conditions:
Hereditary cancer-predisposing syndrome. Also called: Tumor predisposition; Hereditary Cancer Syndrome; Hereditary neoplastic syndrome; Neoplastic Syndromes, Hereditary. Identifiers: Orphanet 140162, MedGen C0027672, MeSH D009386, MONDO:0015356.
Hereditary diffuse gastric adenocarcinoma (HDGC). Also called: DIFFUSE GASTRIC AND LOBULAR BREAST CANCER SYNDROME. Identifiers: Orphanet 26106, MedGen C1708349, MONDO:0007648, OMIM 137215.

Submissions (3):

Ambry Genetics
Classification: Likely benign for Hereditary cancer-predisposing syndrome. Last evaluated: 2026-02-19. Review status: criteria provided, single submitter. Criteria: Ambry Variant Classification Scheme 2023. Collection method: clinical testing. Allele origin: germline.

Myriad Genetics, Inc.
Classification: Benign for Hereditary diffuse gastric adenocarcinoma. Last evaluated: 2024-09-12. Review status: criteria provided, single submitter. Criteria: Myriad Autosomal Dominant, Autosomal Recessive and X-Linked Classification Criteria (2023). Collection method: clinical testing. Allele origin: unknown.
Comment: This variant is considered benign. This variant is a silent/synonymous amino acid change and it is not expected to impact splicing.

Color Diagnostics, LLC DBA Color Health
Classification: Likely benign for Hereditary cancer-predisposing syndrome. Last evaluated: 2023-07-10. Review status: criteria provided, single submitter. Criteria: ACMG Guidelines, 2015. Collection method: clinical testing. Allele origin: germline.